The following is an entry in ClinVar:

ClinVar aggregate classification (germline): Uncertain significance (1 of 4 stars; one submission).

Conditions:
Type A2 brachydactyly (BDA2). Also called: BRACHYMESOPHALANGY II; MOHR-WRIEDT TYPE BRACHYDACTYLY; Brachymesophalangy type 2. Identifiers: Orphanet 93396, MedGen C1832702, MONDO:0007216, OMIM 112600, HP:0009372.
Acromesomelic dysplasia 3 (AMD3). Also called: Acromesomelic dysplasia, Demirhan type; CHONDRODYSPLASIA, ACROMESOMELIC, WITH OR WITHOUT GENITAL ANOMALIES. Identifiers: MedGen C4225404, MONDO:0012274, OMIM 609441.

Submission:

Labcorp Genetics (formerly Invitae), Labcorp
Classification: Uncertain significance for Type A2 brachydactyly; Acromesomelic dysplasia 3. Last evaluated: 2023-12-14. Review status: criteria provided, single submitter. Criteria: Invitae Variant Classification Sherloc (09022015). Collection method: clinical testing. Allele origin: germline.
Comment: This sequence change replaces lysine, which is basic and polar, with glutamine, which is neutral and polar, at codon 208 of the BMPR1B protein (p.Lys208Gln). Information on the frequency of this variant in the gnomAD database is not available, as this variant may be reported differently in the database. This variant has not been reported in the literature in individuals affected with BMPR1B-related conditions. Experimental studies and prediction algorithms are not available or were not evaluated, and the functional significance of this variant is currently unknown. In summary, the available evidence is currently insufficient to determine the role of this variant in disease. Therefore, it has been classified as a Variant of Uncertain Significance.

NM_001203.3(BMPR1B):c.621_622delinsCC (p.Lys208Gln)

Gene: BMPR1B (bone morphogenetic protein receptor type 1B; plus strand). Cytogenetic location: 4q22.3.
Variant type: Indel.
Coding change: c.621_622delinsCC on transcript NM_001203.3 (MANE Select); coding-DNA positions 621 to 622, GA replaced by CC.
Protein change: p.Lys208Gln; replaces lysine 208 with glutamine.
Molecular consequence: missense variant.
Genome position (GRCh38, 1-based): chr4:95,129,897-95,129,898, GA replaced by CC. VCF-style: chr4-95129897-GA-CC. GRCh37 (hg19) VCF-style: chr4-96051048-GA-CC.
Other names: c.621_622delinsCC, p.Lys208Gln (NM_001256792.2, NM_001256794.1); c.711_712delinsCC, p.Lys238Gln (NM_001256793.2); short protein forms K208Q, K238Q.
Identifiers: ClinVar variation 2943740 (VCV002943740.3), dbSNP rs2530235506, ClinGen allele CA2740091312.